The following is an entry in ClinVar:

NM_033118.4(MYLK2):c.1710+245A>G

Gene: MYLK2 (myosin light chain kinase 2; plus strand). Cytogenetic location: 20q11.21.
Variant type: single nucleotide variant.
Coding change: c.1710+245A>G on transcript NM_033118.4 (MANE Select); 245 bases into the intron after coding-DNA position 1710, A replaced by G.
Molecular consequence: intron variant.
Genome position (GRCh38, 1-based): chr20:31,832,381, A>G. VCF-style: chr20-31832381-A-G. GRCh37 (hg19) VCF-style: chr20-30420184-A-G.
Identifiers: ClinVar variation 678613 (VCV000678613.1), dbSNP rs6058471, ClinGen allele CA313851888.
Genomic context (GRCh38, chr20:31,832,381, plus strand): 5'-TACCCGGCCTTCCACCCAGCCCCACCCATCTGGGGCTCTGGCTTCCCTCCTTCATTTTTC[A>G]AATATTTCTTGAGCATCTACTACTTCTAGGCATTGGGATATAGGAGTGGACAAAAGAGAC-3'

ClinVar aggregate classification (germline): Benign (1 of 4 stars; one submission).

Allele frequency attached by ClinVar (database versions not stated): 1000 Genomes Project 0.07089; 1000 Genomes Project 30x 0.07277; gnomAD 0.08579 and 0.08957; TOPMed 0.08806.
gnomAD v4.1: 13,062 of 152,206 alleles (8.6%); highest among the groups gnomAD compares: African/African-American, 14%; 635 homozygotes.

Submission:

GeneDx
Classification: Benign. Last evaluated: 2018-06-19. Review status: criteria provided, single submitter. Criteria: GeneDx Variant Classification (06012015). Collection method: clinical testing. Allele origin: germline. Affected: yes.
Comment: This variant is considered likely benign or benign based on one or more of the following criteria: it is a conservative change, it occurs at a poorly conserved position in the protein, it is predicted to be benign by multiple in silico algorithms, and/or has population frequency not consistent with disease.